The following is an entry in ClinVar:

ClinVar aggregate classification (germline): Uncertain significance (1 of 4 stars; one submission).

Conditions:
Mucopolysaccharidosis type 1. Also called: IDUA deficiency; MPS I. Identifiers: Orphanet 579, MedGen C0023786, MONDO:0001586.

gnomAD v4.1: 3 of 1,513,958 alleles (0.0002%); highest among the groups gnomAD compares: African/African-American, 0.0014%; no homozygotes.

Submission:

Labcorp Genetics (formerly Invitae), Labcorp
Classification: Uncertain significance for Mucopolysaccharidosis type 1. Last evaluated: 2022-09-02. Review status: criteria provided, single submitter. Criteria: Invitae Variant Classification Sherloc (09022015). Collection method: clinical testing. Allele origin: germline.
Comment: This sequence change replaces arginine, which is basic and polar, with tryptophan, which is neutral and slightly polar, at codon 492 of the IDUA protein (p.Arg492Trp). This variant is present in population databases (no rsID available, gnomAD 0.01%). This variant has not been reported in the literature in individuals affected with IDUA-related conditions. ClinVar contains an entry for this variant (Variation ID: 1429060). Advanced modeling of protein sequence and biophysical properties (such as structural, functional, and spatial information, amino acid conservation, physicochemical variation, residue mobility, and thermodynamic stability) performed at Invitae indicates that this missense variant is expected to disrupt IDUA protein function. In summary, the available evidence is currently insufficient to determine the role of this variant in disease. Therefore, it has been classified as a Variant of Uncertain Significance.

NM_000203.5(IDUA):c.1474C>T (p.Arg492Trp)

Gene: IDUA (alpha-L-iduronidase; plus strand). Cytogenetic location: 4p16.3.
Variant type: single nucleotide variant.
Coding change: c.1474C>T on transcript NM_000203.5 (MANE Select); coding-DNA position 1474, C replaced by T.
Protein change: p.Arg492Trp; replaces arginine 492 with tryptophan.
Molecular consequence: missense variant. On other transcripts: non-coding transcript variant (1).
Genome position (GRCh38, 1-based): chr4:1,003,107, C>T. VCF-style: chr4-1003107-C-T. GRCh37 (hg19) VCF-style: chr4-996895-C-T.
Other names: c.1078C>T, p.Arg360Trp (NM_001363576.1); short protein forms R360W, R492W.
Identifiers: ClinVar variation 1429060 (VCV001429060.3), dbSNP rs778314567, ClinGen allele CA91170377.